The following is an entry in ClinVar:

ClinVar aggregate classification (germline): Uncertain significance (1 of 4 stars; one submission).

Conditions:
Hyperammonemia, type III (NAGSD). Also called: Hyperammonemia due to N-acetylglutamate synthase deficiency. Identifiers: Orphanet 927, MedGen C0268543, MONDO:0009377, OMIM 237310.

Submission:

Labcorp Genetics (formerly Invitae), Labcorp
Classification: Uncertain significance for Hyperammonemia, type III. Last evaluated: 2024-08-28. Review status: criteria provided, single submitter. Criteria: Invitae Variant Classification Sherloc (09022015). Collection method: clinical testing. Allele origin: germline.
Comment: This sequence change replaces glutamine, which is neutral and polar, with histidine, which is basic and polar, at codon 332 of the NAGS protein (p.Gln332His). This variant is not present in population databases (gnomAD no frequency). This variant has not been reported in the literature in individuals affected with NAGS-related conditions. Invitae Evidence Modeling of protein sequence and biophysical properties (such as structural, functional, and spatial information, amino acid conservation, physicochemical variation, residue mobility, and thermodynamic stability) indicates that this missense variant is not expected to disrupt NAGS protein function with a negative predictive value of 80%. In summary, the available evidence is currently insufficient to determine the role of this variant in disease. Therefore, it has been classified as a Variant of Uncertain Significance.

NM_153006.3(NAGS):c.996G>T (p.Gln332His)

Gene: NAGS (N-acetylglutamate synthase; plus strand). Cytogenetic location: 17q21.31.
Variant type: single nucleotide variant.
Coding change: c.996G>T on transcript NM_153006.3 (MANE Select); coding-DNA position 996, G replaced by T.
Protein change: p.Gln332His; replaces glutamine 332 with histidine.
Molecular consequence: missense variant.
Genome position (GRCh38, 1-based): chr17:44,006,609, G>T. VCF-style: chr17-44006609-G-T. GRCh37 (hg19) VCF-style: chr17-42083977-G-T.
Other names: short protein forms Q332H.
Identifiers: ClinVar variation 3691682 (VCV003691682.2).